The following is an entry in ClinVar:

ClinVar aggregate classification (germline): Uncertain significance (1 of 4 stars; one submission).

Conditions:
Cardiovascular phenotype. Identifiers: MedGen CN230736.

gnomAD v4.1: 1 of 1,614,178 alleles (0.000062%); no homozygotes.

Submission:

Ambry Genetics
Classification: Uncertain significance for Cardiovascular phenotype. Last evaluated: 2021-11-08. Review status: criteria provided, single submitter. Criteria: Ambry Variant Classification Scheme 2023. Collection method: clinical testing. Allele origin: germline.
Comment: The p.E1490G variant (also known as c.4469A>G), located in coding exon 30 of the MYH7 gene, results from an A to G substitution at nucleotide position 4469. The glutamic acid at codon 1490 is replaced by glycine, an amino acid with similar properties. This amino acid position is highly conserved in available vertebrate species. In addition, this alteration is predicted to be deleterious by in silico analysis. Since supporting evidence is limited at this time, the clinical significance of this alteration remains unclear.

NM_000257.4(MYH7):c.4469A>G (p.Glu1490Gly)

Genes: MHRT (myosin heavy chain associated RNA transcript; plus strand), MYH7 (myosin heavy chain 7; minus strand). Cytogenetic location: 14q11.2.
Variant type: single nucleotide variant.
Coding change: c.4469A>G on transcript NM_000257.4 (MANE Select); coding-DNA position 4469, A replaced by G.
Protein change: p.Glu1490Gly; replaces glutamic acid 1490 with glycine.
Molecular consequence: missense variant.
Genome position (GRCh38, 1-based): chr14:23,417,203, T>C on the plus strand (A>G on the coding strand, the complement: MYH7 is on the minus strand). VCF-style: chr14-23417203-T-C. GRCh37 (hg19) VCF-style: chr14-23886412-T-C.
Other names: c.4469A>G, p.Glu1490Gly (NM_001407004.1); short protein forms E1490G.
Identifiers: ClinVar variation 1740807 (VCV001740807.2), dbSNP rs2502249983, ClinGen allele CA389038344.